The following is an entry in ClinVar:

ClinVar aggregate classification (germline): Uncertain significance. Review status: criteria provided, multiple submitters, no conflicts (2 of 4 stars). 3 submissions from 3 submitters: Uncertain significance (3). Last evaluated 2022-03-15.

Conditions:
Cardiovascular phenotype. Identifiers: MedGen CN230736.
Hereditary cancer-predisposing syndrome. Also called: Hereditary neoplastic syndrome; Neoplastic Syndromes, Hereditary; Tumor predisposition; Hereditary Cancer Syndrome. Identifiers: Orphanet 140162, MedGen C0027672, MeSH D009386, MONDO:0015356.
Neurofibromatosis, type 1 (NF1). Also called: VON RECKLINGHAUSEN DISEASE; Peripheral type neurofibromatosis; NEUROFIBROMATOSIS, TYPE I, SOMATIC; Neurofibromatosis, type I. Identifiers: Orphanet 636, MedGen C0027831, MONDO:0018975, OMIM 162200. Disease mechanism: loss of function.

Submissions (3):

Genome-Nilou Lab
Classification: Uncertain significance for Neurofibromatosis, type 1. Last evaluated: 2022-03-15. Review status: criteria provided, single submitter. Criteria: ACMG Guidelines, 2015. Collection method: clinical testing. Allele origin: germline. Affected: no.

Labcorp Genetics (formerly Invitae), Labcorp
Classification: Uncertain significance for Neurofibromatosis, type 1. Last evaluated: 2018-10-25. Review status: criteria provided, single submitter. Criteria: Invitae Variant Classification Sherloc (09022015). Collection method: clinical testing. Allele origin: germline.
Comment: In summary, the available evidence is currently insufficient to determine the role of this variant in disease. Therefore, it has been classified as a Variant of Uncertain Significance. Algorithms developed to predict the effect of missense changes on protein structure and function are either unavailable or do not agree on the potential impact of this missense change (SIFT: "Deleterious"; PolyPhen-2: "Probably Damaging"; Align-GVGD: "Class C0"). This variant has not been reported in the literature in individuals with NF1-related disease. ClinVar contains an entry for this variant (Variation ID: 481937). This variant is not present in population databases (ExAC no frequency). This sequence change replaces tyrosine with cysteine at codon 1169 of the NF1 protein (p.Tyr1169Cys). The tyrosine residue is moderately conserved and there is a large physicochemical difference between tyrosine and cysteine.

Ambry Genetics
Classification: Uncertain significance for Cardiovascular phenotype; Hereditary cancer-predisposing syndrome. Last evaluated: 2016-06-28. Review status: criteria provided, single submitter. Criteria: Ambry Variant Classification Scheme 2023. Collection method: clinical testing. Allele origin: germline.
Comment: The p.Y1169C variant (also known as c.3506A>G), located in coding exon 27 of the NF1 gene, results from an A to G substitution at nucleotide position 3506. The tyrosine at codon 1169 is replaced by cysteine, an amino acid with highly dissimilar properties. This variant was not reported in population based cohorts in the following databases: Database of Single Nucleotide Polymorphisms (dbSNP), NHLBI Exome Sequencing Project (ESP), and 1000 Genomes Project. In the ESP, this variant was not observed in 6503 samples (13006 alleles) with coverage at this position. To date, this alteration has been detected with an allele frequency of approximately 0.001% (greater than 175000 alleles tested) in our clinical cohort. This amino acid position is highly conserved in available vertebrate species. In addition, this alteration is predicted to be deleterious by in silico analysis. Since supporting evidence is limited at this time, the clinical significance of this alteration remains unclear.

NM_001042492.3(NF1):c.3506A>G (p.Tyr1169Cys)

Gene: NF1 (neurofibromin 1; plus strand). Cytogenetic location: 17q11.2.
Variant type: single nucleotide variant.
Coding change: c.3506A>G on transcript NM_001042492.3 (MANE Select); coding-DNA position 3506, A replaced by G.
Protein change: p.Tyr1169Cys; replaces tyrosine 1169 with cysteine.
Molecular consequence: missense variant.
Genome position (GRCh38, 1-based): chr17:31,233,011, A>G. VCF-style: chr17-31233011-A-G. GRCh37 (hg19) VCF-style: chr17-29560029-A-G.
Other names: c.3506A>G, p.Tyr1169Cys (NM_000267.4); short protein forms Y1169C.
Identifiers: ClinVar variation 481937 (VCV000481937.12), dbSNP rs1555615014, ClinGen allele CA398989654.